The following is an entry in ClinVar:

ClinVar aggregate classification (germline): Uncertain significance (1 of 4 stars; one submission).

gnomAD v4.1: 3 of 1,611,684 alleles (0.00019%); highest among the groups gnomAD compares: Non-Finnish European, 0.00025%; no homozygotes.

Submission:

Labcorp Genetics (formerly Invitae), Labcorp
Classification: Uncertain significance. Last evaluated: 2025-06-22. Review status: criteria provided, single submitter. Criteria: Invitae Variant Classification Sherloc (09022015). Collection method: clinical testing. Allele origin: germline.
Comment: This sequence change replaces valine, which is neutral and non-polar, with methionine, which is neutral and non-polar, at codon 268 of the GHSR protein (p.Val268Met). This variant is not present in population databases (gnomAD no frequency). This variant has not been reported in the literature in individuals affected with GHSR-related conditions. Invitae Evidence Modeling of protein sequence and biophysical properties (such as structural, functional, and spatial information, amino acid conservation, physicochemical variation, residue mobility, and thermodynamic stability) indicates that this missense variant is not expected to disrupt GHSR protein function with a negative predictive value of 80%. In summary, the available evidence is currently insufficient to determine the role of this variant in disease. Therefore, it has been classified as a Variant of Uncertain Significance.

NM_198407.2(GHSR):c.802G>A (p.Val268Met)

Gene: GHSR (growth hormone secretagogue receptor; minus strand). Cytogenetic location: 3q26.31.
Variant type: single nucleotide variant.
Coding change: c.802G>A on transcript NM_198407.2 (MANE Select); coding-DNA position 802, G replaced by A.
Protein change: p.Val268Met; replaces valine 268 with methionine.
Molecular consequence: missense variant.
Genome position (GRCh38, 1-based): chr3:172,445,460, C>T on the plus strand (G>A on the coding strand, the complement: GHSR is on the minus strand). VCF-style: chr3-172445460-C-T. GRCh37 (hg19) VCF-style: chr3-172163250-C-T.
Other names: short protein forms V268M.
Identifiers: ClinVar variation 4698908 (VCV004698908.1).